The following is an entry in ClinVar:

ClinVar aggregate classification (germline): Uncertain significance (1 of 4 stars; one submission).

Conditions:
Inborn genetic diseases. Identifiers: MedGen C0950123, MeSH D030342.

Submission:

Ambry Genetics
Classification: Uncertain significance for Inborn genetic diseases. Last evaluated: 2026-05-28. Review status: criteria provided, single submitter. Criteria: Ambry Variant Classification Scheme 2023. Collection method: clinical testing. Allele origin: germline.
Comment: The c.1288G>C (p.V430L) alteration is located in exon 1 (coding exon 1) of the IRF2BPL gene. This alteration results from a G to C substitution at nucleotide position 1288, causing the valine (V) at amino acid position 430 to be replaced by a leucine (L). This variant was not reported in population-based cohorts in the Genome Aggregation Database (gnomAD). This amino acid position is highly conserved in available vertebrate species. This alteration is predicted to be tolerated by in silico analysis. Based on insufficient or conflicting evidence, the clinical significance of this alteration remains unclear.

NM_024496.4(IRF2BPL):c.1288G>C (p.Val430Leu)

Gene: IRF2BPL (interferon regulatory factor 2 binding protein like; minus strand). Cytogenetic location: 14q24.3.
Variant type: single nucleotide variant.
Coding change: c.1288G>C on transcript NM_024496.4 (MANE Select); coding-DNA position 1288, G replaced by C.
Protein change: p.Val430Leu; replaces valine 430 with leucine.
Molecular consequence: missense variant.
Genome position (GRCh38, 1-based): chr14:77,026,505, C>G on the plus strand (G>C on the coding strand, the complement: IRF2BPL is on the minus strand). VCF-style: chr14-77026505-C-G. GRCh37 (hg19) VCF-style: chr14-77492848-C-G.
Other names: short protein forms V430L.
Identifiers: ClinVar variation 4858478 (VCV004858478.1).